The following is an entry in ClinVar:

ClinVar aggregate classification (germline): Uncertain significance (1 of 4 stars; one submission).

Conditions:
Inborn genetic diseases. Identifiers: MedGen C0950123, MeSH D030342.

Submission:

Ambry Genetics
Classification: Uncertain significance for Inborn genetic diseases. Last evaluated: 2026-06-17. Review status: criteria provided, single submitter. Criteria: Ambry Variant Classification Scheme 2023. Collection method: clinical testing. Allele origin: germline.
Comment: The p.K285I variant (also known as c.854A>T), located in coding exon 4 of the FANCM gene, results from an A to T substitution at nucleotide position 854. The lysine at codon 285 is replaced by isoleucine, an amino acid with dissimilar properties. This amino acid position is conserved. In addition, this alteration is predicted to be tolerated by in silico analysis. Based on the available evidence, the clinical significance of this variant remains unclear.

NM_020937.4(FANCM):c.854A>T (p.Lys285Ile)

Gene: FANCM (FA complementation group M; plus strand). Cytogenetic location: 14q21.2.
Variant type: single nucleotide variant.
Coding change: c.854A>T on transcript NM_020937.4 (MANE Select); coding-DNA position 854, A replaced by T.
Protein change: p.Lys285Ile; replaces lysine 285 with isoleucine.
Molecular consequence: missense variant.
Genome position (GRCh38, 1-based): chr14:45,148,931, A>T. VCF-style: chr14-45148931-A-T. GRCh37 (hg19) VCF-style: chr14-45618134-A-T.
Other names: c.854A>T, p.Lys285Ile (NM_001308134.2); c.776A>T, p.Lys259Ile (NM_001308133.2); short protein forms K259I, K285I.
Identifiers: ClinVar variation 5036557 (VCV005036557.1).